The following is an entry in ClinVar:

ClinVar aggregate classification (germline): Benign. Review status: criteria provided, multiple submitters, no conflicts (2 of 4 stars). 11 submissions from 11 submitters: Benign (9). 2 of the submissions do not count toward it. Last evaluated 2026-02-04.

Conditions:
Neuropathy, hereditary sensory and autonomic, type 2A (HSAN2A). Also called: WNK1-Related HSAN2 (HSAN2A); HSAN IIA; ACROOSTEOLYSIS, GIACCAI TYPE; ACROOSTEOLYSIS, NEUROGENIC; MORVAN DISEASE; NEUROPATHY, CONGENITAL SENSORY. Identifiers: Orphanet 970, MedGen C2752089, MONDO:0024309, OMIM 201300.
Pseudohypoaldosteronism type 2C (PHA2C). Also called: Pseudohypoaldosteronism Type IIC. Identifiers: Orphanet 757, Orphanet 88940, MedGen C1840391, MONDO:0013778, OMIM 614492.

Allele frequency attached by ClinVar (database versions not stated): ESP Exome Variant Server 0.11179; TOPMed 0.11243; 1000 Genomes Project 30x 0.11321; 1000 Genomes Project 0.11581; gnomAD 0.12407 and 0.12646; gnomAD exomes 0.14734 and 0.15571; ExAC 0.15542.
gnomAD v4.1: 234,930 of 1,613,942 alleles (15%); highest among the groups gnomAD compares: Middle Eastern, 21%; 18,273 homozygotes.

Submissions (11):

Labcorp Genetics (formerly Invitae), Labcorp
Classification: Benign for Neuropathy, hereditary sensory and autonomic, type 2A; Pseudohypoaldosteronism type 2C. Last evaluated: 2026-02-04. Review status: criteria provided, single submitter. Criteria: Invitae Variant Classification Sherloc (09022015). Collection method: clinical testing. Allele origin: germline.

Blueprint Genetics
Classification: Benign. Last evaluated: 2024-11-27. Review status: criteria provided, single submitter. Criteria: ACMG Guidelines, 2015. Collection method: clinical testing. Allele origin: germline.

Mayo Clinic Laboratories, Mayo Clinic
Classification: Benign. Last evaluated: 2022-03-09. Review status: criteria provided, single submitter. Criteria: ACMG Guidelines, 2015. Collection method: clinical testing. Allele origin: germline. Observed: 609 variant alleles.

Genome-Nilou Lab
Classification: Benign for Neuropathy, hereditary sensory and autonomic, type 2A. Last evaluated: 2021-07-14. Review status: criteria provided, single submitter. Criteria: ACMG Guidelines, 2015. Collection method: clinical testing. Allele origin: germline. Affected: no.

Illumina Laboratory Services, Illumina
Classification: Benign for Pseudohypoaldosteronism type 2C. Last evaluated: 2018-01-13. Review status: criteria provided, single submitter. Criteria: ICSL Variant Classification Criteria 13 December 2019. Collection method: clinical testing. Allele origin: germline.
Comment: This variant was observed in the ICSL laboratory as part of a predisposition screen in an ostensibly healthy population. It had not been previously curated by ICSL or reported in the Human Gene Mutation Database (HGMD: prior to June 1st, 2018), and was therefore a candidate for classification through an automated scoring system. Utilizing variant allele frequency, disease prevalence and penetrance estimates, and inheritance mode, an automated score was calculated to assess if this variant is too frequent to cause the disease. Based on the score and internal cut-off values, a variant classified as benign is not then subjected to further curation. The score for this variant resulted in a classification of benign for this disease.

Athena Diagnostics
Classification: Benign for Neuropathy, hereditary sensory and autonomic, type 2A. Last evaluated: 2017-06-12. Review status: criteria provided, single submitter. Criteria: Athena Diagnostics Criteria. Collection method: clinical testing. Allele origin: germline.

GeneDx
Classification: Benign. Last evaluated: 2014-03-07. Review status: criteria provided, single submitter. Criteria: GeneDx Variant Classification (06012015). Collection method: clinical testing. Allele origin: germline. Affected: yes.
Comment: This variant is considered likely benign or benign based on one or more of the following criteria: it is a conservative change, it occurs at a poorly conserved position in the protein, it is predicted to be benign by multiple in silico algorithms, and/or has population frequency not consistent with disease.

Breakthrough Genomics
Classification: Benign. Review status: criteria provided, single submitter. Criteria: ACMG Guidelines, 2015. Collection method: not provided. Allele origin: germline. Inheritance: Autosomal recessive inheritance. Affected: yes.

PreventionGenetics, part of Exact Sciences
Classification: Benign. Review status: criteria provided, single submitter. Criteria: ACMG Guidelines, 2015. Collection method: clinical testing. Allele origin: germline.

Clinical Genetics, Academic Medical Center
Classification: Benign. Review status: no assertion criteria provided. Collection method: clinical testing. Allele origin: germline. Affected: yes. Study: VKGL Data-share Consensus. Not counted in ClinVar's aggregate classification.

Joint Genome Diagnostic Labs from Nijmegen and Maastricht, Radboudumc and MUMC+
Classification: Benign. Review status: no assertion criteria provided. Collection method: clinical testing. Allele origin: germline. Affected: yes. Study: VKGL Data-share Consensus. Not counted in ClinVar's aggregate classification.

NM_018979.4(WNK1):c.4044C>T (p.Thr1348=)

Gene: WNK1 (WNK lysine deficient protein kinase 1; plus strand). Cytogenetic location: 12p13.33.
Variant type: single nucleotide variant.
Coding change: c.4044C>T on transcript NM_018979.4 (MANE Select); coding-DNA position 4044, C replaced by T.
Protein change: p.Thr1348=; no amino-acid change (threonine 1348 retained).
Molecular consequence: synonymous variant.
Genome position (GRCh38, 1-based): chr12:884,848, C>T. VCF-style: chr12-884848-C-T. GRCh37 (hg19) VCF-style: chr12-994014-C-T.
Other names: p.T1600T:ACC>ACT; p.Thr1348=; c.4824C>T, p.Thr1608= (NM_001184985.2); c.3303C>T, p.Thr1101= (NM_014823.3); c.4800C>T, p.Thr1600= (NM_213655.5).
Identifiers: ClinVar variation 137926 (VCV000137926.24), dbSNP rs10849577, ClinGen allele CA291638.